The following is an entry in ClinVar:

ClinVar aggregate classification (germline): Uncertain significance (1 of 4 stars; one submission).

Allele frequency attached by ClinVar (database versions not stated): ExAC 0.00004.

Submission:

Labcorp Genetics (formerly Invitae), Labcorp
Classification: Uncertain significance. Last evaluated: 2021-09-04. Review status: criteria provided, single submitter. Criteria: Invitae Variant Classification Sherloc (09022015). Collection method: clinical testing. Allele origin: germline.
Comment: Advanced modeling of protein sequence and biophysical properties (such as structural, functional, and spatial information, amino acid conservation, physicochemical variation, residue mobility, and thermodynamic stability) performed at Invitae indicates that this missense variant is not expected to disrupt CRB2 protein function. Algorithms developed to predict the effect of sequence changes on RNA splicing suggest that this variant may create or strengthen a splice site. In summary, the available evidence is currently insufficient to determine the role of this variant in disease. Therefore, it has been classified as a Variant of Uncertain Significance. This variant has not been reported in the literature in individuals affected with CRB2-related conditions. This sequence change replaces arginine with glutamine at codon 327 of the CRB2 protein (p.Arg327Gln). The arginine residue is weakly conserved and there is a small physicochemical difference between arginine and glutamine. This variant is present in population databases (rs753791463, ExAC 0.009%).

NM_173689.7(CRB2):c.980G>A (p.Arg327Gln)

Gene: CRB2 (crumbs cell polarity complex component 2; plus strand). Cytogenetic location: 9q33.3.
Variant type: single nucleotide variant.
Coding change: c.980G>A on transcript NM_173689.7 (MANE Select); coding-DNA position 980, G replaced by A.
Protein change: p.Arg327Gln; replaces arginine 327 with glutamine.
Molecular consequence: missense variant.
Genome position (GRCh38, 1-based): chr9:123,367,612, G>A. VCF-style: chr9-123367612-G-A. GRCh37 (hg19) VCF-style: chr9-126129891-G-A.
Other names: short protein forms R327Q.
Identifiers: ClinVar variation 1496533 (VCV001496533.6), dbSNP rs753791463, ClinGen allele CA5231862.